The following is an entry in ClinVar:

ClinVar aggregate classification (germline): Conflicting classifications of pathogenicity. Review status: criteria provided, conflicting classifications (1 of 4 stars). 10 submissions from 10 submitters: Uncertain significance (4); Likely benign (3). 3 of the submissions do not count toward it. Last evaluated 2026-01-13.

Conditions:
Autosomal dominant nonsyndromic hearing loss 4A. Also called: Deafness, autosomal dominant 4A. Identifiers: Orphanet 90635, MedGen C1833503, MONDO:0010915, OMIM 600652.

Allele frequency attached by ClinVar (database versions not stated): TOPMed 0.00014; gnomAD 0.00015; gnomAD exomes 0.00018; ExAC 0.00030; ESP Exome Variant Server 0.00031.
gnomAD v4.1: 445 of 1,607,902 alleles (0.028%); highest among the groups gnomAD compares: Non-Finnish European, 0.035%; no homozygotes.

Submissions (10):

Women's Health and Genetics/Laboratory Corporation of America, LabCorp
Classification: Likely benign. Last evaluated: 2026-01-13. Review status: criteria provided, single submitter. Criteria: LabCorp Variant Classification Summary - May 2015. Collection method: clinical testing. Allele origin: germline.
Comment: Variant summary: MYH14 c.2975C>T (p.Thr992Met) results in a non-conservative amino acid change in the encoded protein sequence. Algorithms developed to predict the effect of missense changes on protein structure and function are either unavailable or do not agree on the potential impact of this missense change. The variant allele was found at a frequency of 0.00018 in 238122 control chromosomes. The observed variant frequency exceeds the estimated maximal expected allele frequency for disease-causing variants in MYH14. To our knowledge, no occurrence of c.2975C>T in individuals affected with MYH14-related conditions and no experimental evidence demonstrating its impact on protein function have been reported. ClinVar contains an entry for this variant (Variation ID: 228876). Based on the evidence outlined above, the variant was classified as likely benign.

Labcorp Genetics (formerly Invitae), Labcorp
Classification: Uncertain significance. Last evaluated: 2025-08-14. Review status: criteria provided, single submitter. Criteria: Invitae Variant Classification Sherloc (09022015). Collection method: clinical testing. Allele origin: germline.
Comment: This sequence change replaces threonine, which is neutral and polar, with methionine, which is neutral and non-polar, at codon 992 of the MYH14 protein (p.Thr992Met). This variant is present in population databases (rs201746408, gnomAD 0.04%), and has an allele count higher than expected for a pathogenic variant. This variant has not been reported in the literature in individuals affected with MYH14-related conditions. ClinVar contains an entry for this variant (Variation ID: 228876). Invitae Evidence Modeling of protein sequence and biophysical properties (such as structural, functional, and spatial information, amino acid conservation, physicochemical variation, residue mobility, and thermodynamic stability) indicates that this missense variant is expected to disrupt MYH14 protein function with a positive predictive value of 80%. In summary, the available evidence is currently insufficient to determine the role of this variant in disease. Therefore, it has been classified as a Variant of Uncertain Significance.

CeGaT Center for Human Genetics Tuebingen
Classification: Likely benign. Last evaluated: 2022-08-01. Review status: criteria provided, single submitter. Criteria: CeGaT Center For Human Genetics Tuebingen Variant Classification Criteria Version 2. Collection method: clinical testing. Allele origin: germline. Affected: yes. Observed: 1 variant allele.
Comment: MYH14: BS2

GeneDx
Classification: Likely benign. Last evaluated: 2020-08-10. Review status: criteria provided, single submitter. Criteria: GeneDx Variant Classification Process June 2021. Collection method: clinical testing. Allele origin: germline. Affected: yes.

Illumina Laboratory Services, Illumina
Classification: Uncertain significance for Autosomal dominant nonsyndromic hearing loss 4A. Last evaluated: 2018-01-12. Review status: criteria provided, single submitter. Criteria: ICSL Variant Classification Criteria 13 December 2019. Collection method: clinical testing. Allele origin: germline.

ARUP Laboratories, Molecular Genetics and Genomics, ARUP Laboratories
Classification: Uncertain significance. Last evaluated: 2017-11-17. Review status: criteria provided, single submitter. Criteria: ARUP Molecular Germline Variant Investigation Process. Collection method: clinical testing. Allele origin: germline.
Comment: The p.Thr992Met variant (rs201746408) has not been reported in the medical literature and gene specific variation databases. This variant is listed in the Genome Aggregation Database (gnomAD) with an overall population frequency of 0.02 percent (identified on 45 out of 266,124 chromosomes) and has been reported to the ClinVar database as a variant of uncertain significance (Variation ID: 228876). The threonine at position 992 is highly conserved considering 7 species (Alamut v2.10) and computational analyses of the effects of the p.Thr992Met variant on protein structure and function provide conflicting results (SIFT: damaging, MutationTaster: disease causing, PolyPhen-2: benign). Altogether, there is not enough evidence to classify the p.Thr992Met variant with certainty.

Laboratory for Molecular Medicine, Mass General Brigham Personalized Medicine
Classification: Uncertain significance. Last evaluated: 2015-10-02. Review status: criteria provided, single submitter. Criteria: LMM Criteria. Collection method: clinical testing. Allele origin: germline. Observed: 1 variant allele.
Comment: The p.Thr1033Met variant in MYH14 has not been previously reported in individual s with hearing loss, but has been identified in 20/41758 European chromosomes by the Exome Aggregation Consortium (ExAC; dbSNP r s201746408). Computational prediction tools and conservation analysis suggest th at this variant may impact the protein, though this information is not predictiv e enough to determine pathogenicity. In summary, the clinical significance of th e p.Thr1033Met variant is uncertain.

Clinical Genetics DNA and cytogenetics Diagnostics Lab, Erasmus MC, Erasmus Medical Center
Classification: Uncertain significance. Review status: no assertion criteria provided. Collection method: clinical testing. Allele origin: germline. Affected: yes. Study: VKGL Data-share Consensus. Not counted in ClinVar's aggregate classification.

Clinical Genetics, Academic Medical Center
Classification: Uncertain significance. Review status: no assertion criteria provided. Collection method: clinical testing. Allele origin: germline. Affected: yes. Study: VKGL Data-share Consensus. Not counted in ClinVar's aggregate classification.

Joint Genome Diagnostic Labs from Nijmegen and Maastricht, Radboudumc and MUMC+
Classification: Uncertain significance. Review status: no assertion criteria provided. Collection method: clinical testing. Allele origin: germline. Affected: yes. Study: VKGL Data-share Consensus. Not counted in ClinVar's aggregate classification.

NM_001145809.2(MYH14):c.3098C>T (p.Thr1033Met)

Gene: MYH14 (myosin heavy chain 14; plus strand). Cytogenetic location: 19q13.33.
Variant type: single nucleotide variant.
Coding change: c.3098C>T on transcript NM_001145809.2 (MANE Select); coding-DNA position 3098, C replaced by T.
Protein change: p.Thr1033Met; replaces threonine 1033 with methionine.
Molecular consequence: missense variant.
Genome position (GRCh38, 1-based): chr19:50,271,473, C>T. VCF-style: chr19-50271473-C-T. GRCh37 (hg19) VCF-style: chr19-50774730-C-T.
Other names: c.2999C>T, p.Thr1000Met (NM_001077186.2); c.2975C>T, p.Thr992Met (NM_024729.4); short protein forms T1033M, T992M, T1000M.
Identifiers: ClinVar variation 228876 (VCV000228876.56), dbSNP rs201746408, ClinGen allele CA9593110.